The following is an entry in ClinVar:

NM_003079.5(SMARCE1):c.237+3A>G

Gene: SMARCE1 (SWI/SNF related BAF chromatin remodeling complex subunit E1; minus strand). Cytogenetic location: 17q21.2.
Variant type: single nucleotide variant.
Coding change: c.237+3A>G on transcript NM_003079.5 (MANE Select); 3 bases into the intron after coding-DNA position 237, A replaced by G.
Molecular consequence: intron variant.
Genome position (GRCh38, 1-based): chr17:40,637,489, T>C on the plus strand (A>G on the coding strand, the complement: SMARCE1 is on the minus strand). VCF-style: chr17-40637489-T-C. GRCh37 (hg19) VCF-style: chr17-38793741-T-C.
Identifiers: ClinVar variation 1428554 (VCV001428554.9), dbSNP rs2143999496, ClinGen allele CA2573153808.

ClinVar aggregate classification (germline): Uncertain significance. Review status: criteria provided, multiple submitters, no conflicts (2 of 4 stars). 2 submissions from 2 submitters: Uncertain significance (2). Last evaluated 2025-09-30.

Conditions:
Hereditary cancer-predisposing syndrome. Also called: Tumor predisposition; Hereditary neoplastic syndrome; Neoplastic Syndromes, Hereditary; Hereditary Cancer Syndrome. Identifiers: Orphanet 140162, MedGen C0027672, MeSH D009386, MONDO:0015356.
Familial meningioma. Also called: Meningioma, familial, susceptibility to. Identifiers: Orphanet 263662, MedGen C3551915, MONDO:0011789, OMIM 607174.

Submissions (2):

Labcorp Genetics (formerly Invitae), Labcorp
Classification: Uncertain significance for Familial meningioma. Last evaluated: 2025-09-30. Review status: criteria provided, single submitter. Criteria: Invitae Variant Classification Sherloc (09022015). Collection method: clinical testing. Allele origin: germline.
Comment: This sequence change falls in intron 5 of the SMARCE1 gene. It does not directly change the encoded amino acid sequence of the SMARCE1 protein. It affects a nucleotide within the consensus splice site. This variant is not present in population databases (gnomAD no frequency). This variant has not been reported in the literature in individuals affected with SMARCE1-related conditions. ClinVar contains an entry for this variant (Variation ID: 1428554). Variants that disrupt the consensus splice site are a relatively common cause of aberrant splicing (PMID: 17576681, 9536098). Algorithms developed to predict the effect of sequence changes on RNA splicing suggest that this variant may create or strengthen a splice site. In summary, the available evidence is currently insufficient to determine the role of this variant in disease. Therefore, it has been classified as a Variant of Uncertain Significance.

Ambry Genetics
Classification: Uncertain significance for Hereditary cancer-predisposing syndrome. Last evaluated: 2025-05-06. Review status: criteria provided, single submitter. Criteria: Ambry Variant Classification Scheme 2023. Collection method: clinical testing. Allele origin: germline.
Comment: The c.237+3A>G intronic variant results from an A to G substitution 3 nucleotides after coding exon 4 in the SMARCE1 gene. This nucleotide position is not well conserved in available vertebrate species. In silico splice site analysis predicts that this alteration may result in the creation or strengthening of a novel splice donor site; however, direct evidence is insufficient at this time (Ambry internal data). Since supporting evidence is limited at this time, the clinical significance of this alteration remains unclear.

Literature cited by the submitters: PubMed 17576681 (cited by Labcorp Genetics (formerly Invitae), Labcorp); PubMed 9536098 (cited by Labcorp Genetics (formerly Invitae), Labcorp).